The following is an entry in ClinVar:

ClinVar aggregate classification (germline): Uncertain significance (1 of 4 stars; one submission).

Conditions:
Hereditary cancer-predisposing syndrome. Also called: Neoplastic Syndromes, Hereditary; Tumor predisposition; Hereditary Cancer Syndrome; Hereditary neoplastic syndrome. Identifiers: Orphanet 140162, MedGen C0027672, MeSH D009386, MONDO:0015356.

Submission:

Ambry Genetics
Classification: Uncertain significance for Hereditary cancer-predisposing syndrome. Last evaluated: 2026-04-03. Review status: criteria provided, single submitter. Criteria: Ambry Variant Classification Scheme 2023. Collection method: clinical testing. Allele origin: germline.
Comment: The p.T86P variant (also known as c.256A>C), located in coding exon 3 of the SDHB gene, results from an A to C substitution at nucleotide position 256. The threonine at codon 86 is replaced by proline, an amino acid with highly similar properties. This amino acid position is conserved. In addition, this alteration is predicted to be deleterious by in silico analysis. Based on the available evidence, the clinical significance of this variant remains unclear.

NM_003000.3(SDHB):c.256A>C (p.Thr86Pro)

Gene: SDHB (succinate dehydrogenase complex iron sulfur subunit B; minus strand). Cytogenetic location: 1p36.13.
Variant type: single nucleotide variant.
Coding change: c.256A>C on transcript NM_003000.3 (MANE Select); coding-DNA position 256, A replaced by C.
Protein change: p.Thr86Pro; replaces threonine 86 with proline.
Molecular consequence: missense variant.
Genome position (GRCh38, 1-based): chr1:17,033,090, T>G on the plus strand (A>C on the coding strand, the complement: SDHB is on the minus strand). VCF-style: chr1-17033090-T-G. GRCh37 (hg19) VCF-style: chr1-17359585-T-G.
Other names: c.256A>C, p.Thr86Pro (NM_001407361.1); short protein forms T86P.
Identifiers: ClinVar variation 4161246 (VCV004161246.2).